The following is an entry in ClinVar:

ClinVar aggregate classification (germline): Uncertain significance (1 of 4 stars; one submission).

Conditions:
Andersen Tawil syndrome (LQT7). Also called: Potassium-sensitive periodic paralysis, ventricular ectopy, and dysmorphic features; ANDERSEN CARDIODYSRHYTHMIC PERIODIC PARALYSIS; PERIODIC PARALYSIS, POTASSIUM-SENSITIVE CARDIODYSRHYTHMIC TYPE; Andersen Syndrome; LONG QT SYNDROME 7. Identifiers: Orphanet 37553, MedGen C1563715, MONDO:0008222, OMIM 170390.
Short QT syndrome type 3. Identifiers: Orphanet 51083, MedGen C1865018, MONDO:0012314, OMIM 609622.

Submission:

Labcorp Genetics (formerly Invitae), Labcorp
Classification: Uncertain significance for Short QT syndrome type 3; Andersen Tawil syndrome. Last evaluated: 2018-11-06. Review status: criteria provided, single submitter. Criteria: Invitae Variant Classification Sherloc (09022015). Collection method: clinical testing. Allele origin: germline.
Comment: This sequence change replaces glycine with valine at codon 100 of the KCNJ2 protein (p.Gly100Val). The glycine residue is highly conserved and there is a moderate physicochemical difference between glycine and valine. This variant is not present in population databases (ExAC no frequency). In summary, the available evidence is currently insufficient to determine the role of this variant in disease. Therefore, it has been classified as a Variant of Uncertain Significance. Algorithms developed to predict the effect of missense changes on protein structure and function are either unavailable or do not agree on the potential impact of this missense change (SIFT: "Deleterious"; PolyPhen-2: "Probably Damaging"; Align-GVGD: "Class C15"). This variant has not been reported in the literature in individuals with KCNJ2-related disease.

NM_000891.3(KCNJ2):c.299G>T (p.Gly100Val)

Gene: KCNJ2 (potassium inwardly rectifying channel subfamily J member 2; plus strand). Cytogenetic location: 17q24.3.
Variant type: single nucleotide variant.
Coding change: c.299G>T on transcript NM_000891.3 (MANE Select); coding-DNA position 299, G replaced by T.
Protein change: p.Gly100Val; replaces glycine 100 with valine.
Molecular consequence: missense variant.
Genome position (GRCh38, 1-based): chr17:70,175,338, G>T. VCF-style: chr17-70175338-G-T. GRCh37 (hg19) VCF-style: chr17-68171479-G-T.
Other names: short protein forms G100V.
Identifiers: ClinVar variation 654361 (VCV000654361.8), dbSNP rs1598211153, ClinGen allele CA400860298.